The following is an entry in ClinVar:

ClinVar aggregate classification (germline): Likely benign (1 of 4 stars; one submission).

Conditions:
Autosomal recessive juvenile Parkinson disease 2. Also called: Parkinson disease autosomal recessive, early onset; Juvenile parkinsonism; Parkinsonism, early onset, with diurnal fluctuation; PARKINSON DISEASE, JUVENILE, AUTOSOMAL RECESSIVE; Parkinson disease, juvenile, type 2; PRKN-Related Early-Onset Parkinson Disease. Identifiers: Orphanet 2828, MedGen C1868675, MONDO:0010820, OMIM 600116.

Allele frequency attached by ClinVar (database versions not stated): gnomAD exomes 0.00100; gnomAD 0.00639 and 0.00674; TOPMed 0.00692; 1000 Genomes Project 30x 0.00734; 1000 Genomes Project 0.00739.
gnomAD v4.1: 1,021 of 203,574 alleles (0.5%); highest among the groups gnomAD compares: African/African-American, 2.2%; 8 homozygotes.

Submission:

Illumina Laboratory Services, Illumina
Classification: Likely benign for Autosomal recessive juvenile Parkinson disease 2. Last evaluated: 2018-01-13. Review status: criteria provided, single submitter. Criteria: ICSL Variant Classification Criteria 13 December 2019. Collection method: clinical testing. Allele origin: germline.
Comment: This variant was observed in the ICSL laboratory as part of a predisposition screen in an ostensibly healthy population. It had not been previously curated by ICSL or reported in the Human Gene Mutation Database (HGMD: prior to June 1st, 2018), and was therefore a candidate for classification through an automated scoring system. Utilizing variant allele frequency, disease prevalence and penetrance estimates, and inheritance mode, an automated score was calculated to assess if this variant is too frequent to cause the disease. Based on the score and internal cut-off values, a variant classified as likely benign is not then subjected to further curation. The score for this variant resulted in a classification of likely benign for this disease.

NM_004562.3(PRKN):c.*1909G>A

Gene: PRKN (parkin RBR E3 ubiquitin protein ligase; minus strand). Cytogenetic location: 6q26.
Variant type: single nucleotide variant.
Coding change: c.*1909G>A on transcript NM_004562.3 (MANE Select); 1909 bases downstream of the stop codon, G replaced by A.
Molecular consequence: 3 prime UTR variant.
Genome position (GRCh38, 1-based): chr6:161,348,190, C>T on the plus strand (G>A on the coding strand, the complement: PRKN is on the minus strand). VCF-style: chr6-161348190-C-T. GRCh37 (hg19) VCF-style: chr6-161769222-C-T.
Other names: c.*1909G>A (NM_013987.3, NM_013988.3).
Identifiers: ClinVar variation 907101 (VCV000907101.4), dbSNP rs148426411, ClinGen allele CA151429291.